The following is an entry in ClinVar:

ClinVar aggregate classification (germline): Likely pathogenic (1 of 4 stars; one submission).

Conditions:
Gnathodiaphyseal dysplasia (GDD). Also called: GNATHODIAPHYSEAL SCLEROSIS; OSTEOGENESIS IMPERFECTA WITH UNUSUAL SKELETAL LESIONS. Identifiers: Orphanet 53697, MedGen C1833736, MONDO:0008151, OMIM 166260.
Autosomal recessive limb-girdle muscular dystrophy type 2L (LGMDR12). Also called: Limb-girdle muscular dystrophy, type 2L; Limb-Girdle Muscular Dystrophy R12 Anoctamin-5-Related (LGMD-R12); MUSCULAR DYSTROPHY, LIMB-GIRDLE, AUTOSOMAL RECESSIVE 12. Identifiers: Orphanet 206549, MedGen C1969785, MONDO:0012652, OMIM 611307.

Submission:

Labcorp Genetics (formerly Invitae), Labcorp
Classification: Likely pathogenic for Limb-girdle muscular dystrophy, type 2L; Gnathodiaphyseal dysplasia. Last evaluated: 2019-06-26. Review status: criteria provided, single submitter. Criteria: Invitae Variant Classification Sherloc (09022015). Collection method: clinical testing. Allele origin: germline.
Comment: This sequence change affects an acceptor splice site in intron 6 of the ANO5 gene. It is expected to disrupt RNA splicing and likely results in an absent or disrupted protein product. This variant is not present in population databases (ExAC no frequency). This variant has not been reported in the literature in individuals with ANO5-related conditions. Algorithms developed to predict the effect of sequence changes on RNA splicing suggest that this variant may disrupt the consensus splice site, but this prediction has not been confirmed by published transcriptional studies. Donor and acceptor splice site variants typically lead to a loss of protein function (PMID: 16199547), and loss-of-function variants in ANO5 are known to be pathogenic (PMID: 21186264, 23606453, 25891276). In summary, the currently available evidence indicates that the variant is pathogenic, but additional data are needed to prove that conclusively. Therefore, this variant has been classified as Likely Pathogenic.

Literature cited by the submitters: PubMed 25891276; PubMed 23606453; PubMed 21186264.

NM_213599.3(ANO5):c.364-1G>A

Gene: ANO5 (anoctamin 5; plus strand). Cytogenetic location: 11p14.3.
Variant type: single nucleotide variant.
Coding change: c.364-1G>A on transcript NM_213599.3 (MANE Select); the canonical splice acceptor site of the intron before coding-DNA position 364, G replaced by A.
Molecular consequence: splice acceptor variant.
Genome position (GRCh38, 1-based): chr11:22,227,301, G>A. VCF-style: chr11-22227301-G-A. GRCh37 (hg19) VCF-style: chr11-22248847-G-A.
Other names: c.322-1G>A (NM_001410963.1); c.361-1G>A (NM_001142649.2); c.319-1G>A (NM_001410964.1).
Identifiers: ClinVar variation 947770 (VCV000947770.1), dbSNP rs1852871649, ClinGen allele CA379919236.
Genomic context (GRCh38, chr11:22,227,301, plus strand): 5'-ATCAGCTCAATAACAAACTGATCAGTAAGCTTTCTGCTGTTTTGCCTTTTTTTTAATGCA[G>A]GACTCGGAAGATGGAAGAACTTATTTTGTCAAGATCCATGCCCCTTGGGAGGTATTAGTT-3'